The following is an entry in ClinVar:

NM_000059.4(BRCA2):c.2106del (p.Thr703fs)

Gene: BRCA2 (BRCA2 DNA repair associated; plus strand). Cytogenetic location: 13q13.1.
Variant type: Deletion.
Coding change: c.2106del on transcript NM_000059.4 (MANE Select); coding-DNA position 2106, one base deleted (T; older notation c.2106delT).
Protein change: p.Thr703fs; shifts the reading frame from threonine 703.
Molecular consequence: frameshift variant.
Genome position (GRCh38, 1-based): chr13:32,336,461, T deleted; the last of 2 consecutive T bases (chr13:32,336,460-32,336,461); deleting either gives the same sequence. VCF-style (leftmost placement, unchanged base first): chr13-32336459-AT-A. GRCh37 (hg19) VCF-style: chr13-32910596-AT-A.
Other names: short protein forms T703fs.
Identifiers: ClinVar variation 929108 (VCV000929108.7), dbSNP rs2072450488, ClinGen allele CA1139663132.

ClinVar aggregate classification (germline): Pathogenic/Likely pathogenic. Review status: criteria provided, multiple submitters, no conflicts (2 of 4 stars). 2 submissions from 2 submitters: Pathogenic (1); Likely pathogenic (1). Last evaluated 2020-12-11.

Conditions:
Hereditary breast ovarian cancer syndrome. Also called: Hereditary breast and ovarian cancer syndrome; Hereditary breast and ovarian cancer syndrome (HBOC); Hereditary breast and/or ovarian cancer syndrome; Hereditary breast and ovarian cancer; Breast and ovarian cancer; BRCA1- and BRCA2-Associated Hereditary Breast and Ovarian Cancer. Identifiers: Orphanet 145, MedGen C0677776, MeSH D061325, MONDO:0003582. Disease mechanism: loss of function.

Submissions (2):

Labcorp Genetics (formerly Invitae), Labcorp
Classification: Pathogenic for Hereditary breast ovarian cancer syndrome. Last evaluated: 2020-12-11. Review status: criteria provided, single submitter. Criteria: Invitae Variant Classification Sherloc (09022015). Collection method: clinical testing. Allele origin: germline.
Comment: For these reasons, this variant has been classified as Pathogenic. This variant has not been reported in the literature in individuals with BRCA2-related conditions. ClinVar contains an entry for this variant (Variation ID: 929108). This variant is not present in population databases (ExAC no frequency). This sequence change creates a premature translational stop signal (p.Thr703Profs*27) in the BRCA2 gene. It is expected to result in an absent or disrupted protein product. Loss-of-function variants in BRCA2 are known to be pathogenic (PMID: 20104584).

Women's Health and Genetics/Laboratory Corporation of America, LabCorp
Classification: Likely pathogenic for Hereditary breast and ovarian cancer syndrome. Last evaluated: 2019-12-23. Review status: criteria provided, single submitter. Criteria: LabCorp Variant Classification Summary - May 2015. Collection method: clinical testing. Allele origin: germline.
Comment: Variant summary: BRCA2 c.2106delT (p.Thr703ProfsX27) results in a premature termination codon, predicted to cause a truncation of the encoded protein or absence of the protein due to nonsense mediated decay, which are commonly known mechanisms for disease. Truncations downstream of this position have been classified as pathogenic by our laboratory. The variant was absent in 250722 control chromosomes (gnomAD). To our knowledge, no occurrence of c.2106delT in individuals affected with Hereditary Breast and Ovarian Cancer and no experimental evidence demonstrating its impact on protein function have been reported. No clinical diagnostic laboratories have submitted clinical-significance assessments for this variant to ClinVar after 2014. Based on the evidence outlined above, the variant was classified as likely pathogenic.

Literature cited by the submitters: PubMed 20104584 (cited by Labcorp Genetics (formerly Invitae), Labcorp).